The following is an entry in ClinVar:

ClinVar aggregate classification (germline): Uncertain significance (1 of 4 stars; one submission).

Conditions:
Catecholaminergic polymorphic ventricular tachycardia 1. Also called: VENTRICULAR TACHYCARDIA, STRESS-INDUCED POLYMORPHIC 1; VENTRICULAR TACHYCARDIA, CATECHOLAMINERGIC POLYMORPHIC, 1, WITH OR WITHOUT ATRIAL DYSFUNCTION AND/OR DILATED CARDIOMYOPATHY; RYR2-Related Catecholaminergic Polymorphic Ventricular Tachycardia. Identifiers: Orphanet 3286, MedGen C1631597, MONDO:0011484, OMIM 604772.

Submission:

Labcorp Genetics (formerly Invitae), Labcorp
Classification: Uncertain significance for Catecholaminergic polymorphic ventricular tachycardia 1. Last evaluated: 2022-03-08. Review status: criteria provided, single submitter. Criteria: Invitae Variant Classification Sherloc (09022015). Collection method: clinical testing. Allele origin: germline.
Comment: In summary, the available evidence is currently insufficient to determine the role of this variant in disease. Therefore, it has been classified as a Variant of Uncertain Significance. Algorithms developed to predict the effect of sequence changes on RNA splicing suggest that this variant may disrupt the consensus splice site. This variant has not been reported in the literature in individuals affected with TRDN-related conditions. This variant is not present in population databases (gnomAD no frequency). This sequence change falls in intron 39 of the TRDN gene. It does not directly change the encoded amino acid sequence of the TRDN protein.

NM_006073.4(TRDN):c.2015-6C>A

Gene: TRDN (triadin; minus strand). Cytogenetic location: 6q22.31.
Variant type: single nucleotide variant.
Coding change: c.2015-6C>A on transcript NM_006073.4 (MANE Select); 6 bases into the intron before coding-DNA position 2015, C replaced by A.
Molecular consequence: intron variant.
Genome position (GRCh38, 1-based): chr6:123,221,528, G>T on the plus strand (C>A on the coding strand, the complement: TRDN is on the minus strand). VCF-style: chr6-123221528-G-T. GRCh37 (hg19) VCF-style: chr6-123542673-G-T.
Identifiers: ClinVar variation 1521588 (VCV001521588.7), dbSNP rs1244486423, ClinGen allele CA2573140515.